The following is an entry in ClinVar:

ClinVar aggregate classification (germline): Pathogenic (1 of 4 stars; one submission).

Conditions:
Myopathy, lactic acidosis, and sideroblastic anemia 1 (MLASA1). Identifiers: Orphanet 2598, MedGen C4551958, MONDO:0024553, OMIM 600462.

Submission:

Myriad Genetics, Inc.
Classification: Pathogenic for Myopathy, lactic acidosis, and sideroblastic anemia 1. Last evaluated: 2026-05-08. Review status: criteria provided, single submitter. Criteria: Myriad Autosomal Dominant, Autosomal Recessive and X-Linked Classification Criteria (2023). Collection method: clinical testing. Allele origin: unknown.
Comment: NM_025215.5(PUS1):c.1078C>T(Q360*) is a nonsense variant classified as pathogenic in the context of myopathy, lactic acidosis, and sideroblastic anemia 1. Q360* has not been observed in cases with relevant disease. Relevant functional assessments of this variant are not available in the literature. Q360* has not been observed in referenced population frequency databases. In summary, NM_025215.5(PUS1):c.1078C>T(Q360*) is a nonsense variant in a gene where loss of function is a known mechanism of disease and is predicted to disrupt protein function. Please note: this variant was assessed in the context of healthy population screening.

NM_025215.6(PUS1):c.1078C>T (p.Gln360Ter)

Gene: PUS1 (pseudouridine synthase 1; plus strand). Cytogenetic location: 12q24.33.
Variant type: single nucleotide variant.
Coding change: c.1078C>T on transcript NM_025215.6 (MANE Select); coding-DNA position 1078, C replaced by T.
Protein change: p.Gln360Ter; replaces glutamine 360 with a stop codon.
Molecular consequence: nonsense.
Genome position (GRCh38, 1-based): chr12:131,941,825, C>T. VCF-style: chr12-131941825-C-T. GRCh37 (hg19) VCF-style: chr12-132426370-C-T.
Other names: c.994C>T, p.Gln332Ter (NM_001002019.3, NM_001002020.3); short protein forms Q360*, Q332*.
Identifiers: ClinVar variation 5003387 (VCV005003387.1).
Genomic context (GRCh38, chr12:131,941,825, plus strand): 5'-TTCGAGAAGTACAACCAGCGCTTTGGCAACGATGGGCTGCATGAGCCGCTGGACTGGGCG[C>T]AGGAGGAAGGAAAGGTCGCAGCCTTCAAGGAGGAGCACATCTACCCCACCATCATCGGCA-3'